The following is an entry in ClinVar:

ClinVar aggregate classification (germline): Uncertain significance. Review status: criteria provided, multiple submitters, no conflicts (2 of 4 stars). 2 submissions from 2 submitters: Uncertain significance (2). Last evaluated 2024-04-24.

Conditions:
Hereditary breast ovarian cancer syndrome. Also called: Hereditary breast and/or ovarian cancer syndrome; Breast and ovarian cancer; Hereditary breast and ovarian cancer; BRCA1- and BRCA2-Associated Hereditary Breast and Ovarian Cancer; Hereditary breast and ovarian cancer syndrome; Hereditary breast and ovarian cancer syndrome (HBOC). Identifiers: Orphanet 145, MedGen C0677776, MeSH D061325, MONDO:0003582. Disease mechanism: loss of function.

Submissions (2):

Labcorp Genetics (formerly Invitae), Labcorp
Classification: Uncertain significance for Hereditary breast ovarian cancer syndrome. Last evaluated: 2024-04-24. Review status: criteria provided, single submitter. Criteria: Invitae Variant Classification Sherloc (09022015). Collection method: clinical testing. Allele origin: germline.
Comment: This sequence change replaces isoleucine, which is neutral and non-polar, with methionine, which is neutral and non-polar, at codon 2495 of the BRCA2 protein (p.Ile2495Met). This variant is not present in population databases (gnomAD no frequency). This variant has not been reported in the literature in individuals affected with BRCA2-related conditions. ClinVar contains an entry for this variant (Variation ID: 1517999). Advanced modeling of protein sequence and biophysical properties (such as structural, functional, and spatial information, amino acid conservation, physicochemical variation, residue mobility, and thermodynamic stability) performed at Invitae indicates that this missense variant is not expected to disrupt BRCA2 protein function with a negative predictive value of 95%. In summary, the available evidence is currently insufficient to determine the role of this variant in disease. Therefore, it has been classified as a Variant of Uncertain Significance.

Quest Diagnostics Nichols Institute San Juan Capistrano
Classification: Uncertain significance. Last evaluated: 2023-11-30. Review status: criteria provided, single submitter. Criteria: Quest Diagnostics criteria. Collection method: clinical testing. Allele origin: unknown.
Comment: The BRCA2 c.7485T>G (p.Ile2495Met) variant has not been reported in individuals with BRCA2-related conditions in the published literature. It also has not been reported in large, multi-ethnic general populations (Genome Aggregation Database). Analysis of this variant using bioinformatics tools (i.e., MutationTaster and PolyPhen-2) for the prediction of the effect of amino acid changes on protein structure and function yielded conflicting predictions that this variant is benign or damaging. Based on the available information, we are unable to determine the clinical significance of this variant.

NM_000059.4(BRCA2):c.7485T>G (p.Ile2495Met)

Gene: BRCA2 (BRCA2 DNA repair associated; plus strand). Cytogenetic location: 13q13.1.
Variant type: single nucleotide variant.
Coding change: c.7485T>G on transcript NM_000059.4 (MANE Select); coding-DNA position 7485, T replaced by G.
Protein change: p.Ile2495Met; replaces isoleucine 2495 with methionine.
Molecular consequence: missense variant.
Genome position (GRCh38, 1-based): chr13:32,356,477, T>G. VCF-style: chr13-32356477-T-G. GRCh37 (hg19) VCF-style: chr13-32930614-T-G.
Other names: c.7485T>G (NM_000059.3); short protein forms I2495M.
Identifiers: ClinVar variation 1517999 (VCV001517999.10), dbSNP rs2137562138, ClinGen allele CA387743317.